The following is an entry in ClinVar:

NM_001396058.1(OR2I1):c.480G>T (p.Ala160=)

Gene: OR2I1 (olfactory receptor family 2 subfamily I member 1 (gene/pseudogene); plus strand). Cytogenetic location: 6p22.1.
Variant type: single nucleotide variant.
Coding change: c.480G>T on transcript NM_001396058.1 (MANE Select); coding-DNA position 480, G replaced by T.
Protein change: p.Ala160=; no amino-acid change (alanine 160 retained).
Molecular consequence: synonymous variant.
Genome position (GRCh38, 1-based): chr6:29,553,698, G>T. VCF-style: chr6-29553698-G-T. GRCh37 (hg19) VCF-style: chr6-29521475-G-T.
Identifiers: ClinVar variation 2656322 (VCV002656322.24), dbSNP rs548866186, ClinGen allele CA135978087.
Genomic context (GRCh38, chr6:29,553,698, plus strand): 5'-TCGCACGCTGGCCAGCGCCTCCTGGCTAAGCGGCCTCACCAACTCGGTTGCGCAAACCGC[G>T]CTCCTGGCTGAGCGGCCGCTGTGCGCGCCCCGCCTGCTGGACCACTTCATCTGTGAGCTG-3'
Protein context (NP_001382987.1, residues 150-170): SGLTNSVAQT[Ala160=]LLAERPLCAP

ClinVar aggregate classification (germline): Likely benign (1 of 4 stars; one submission).

Allele frequency attached by ClinVar (database versions not stated): 1000 Genomes Project 0.00040; gnomAD exomes 0.00103; 1000 Genomes Project 30x 0.00109; TOPMed 0.00122; gnomAD 0.00123.
gnomAD v4.1: 455 of 398,504 alleles (0.11%); highest among the groups gnomAD compares: Admixed American, 0.17%; 1 homozygote.

Submission:

CeGaT Center for Human Genetics Tuebingen
Classification: Likely benign. Last evaluated: 2022-09-01. Review status: criteria provided, single submitter. Criteria: CeGaT Center For Human Genetics Tuebingen Variant Classification Criteria Version 2. Collection method: clinical testing. Allele origin: germline. Affected: yes. Observed: 1 variant allele.
Comment: OR2I1: BP4, BP7